The following is an entry in ClinVar:

ClinVar aggregate classification (germline): Conflicting classifications of pathogenicity. Review status: criteria provided, conflicting classifications (1 of 4 stars). 7 submissions from 6 submitters: Uncertain significance (2); Benign (2); Likely benign (3). Last evaluated 2026-01-26.

Conditions:
Inborn genetic diseases. Identifiers: MedGen C0950123, MeSH D030342.
Maturity-onset diabetes of the young (MODY). Also called: Maturity onset diabetes mellitus in young. Identifiers: Orphanet 552, MedGen C0342276, MONDO:0018911, HP:0004904.
Transitory neonatal diabetes mellitus. Also called: Transient neonatal diabetes mellitus. Identifiers: MedGen C0342273, MONDO:0020525, HP:0008255.

Allele frequency attached by ClinVar (database versions not stated): gnomAD 0.00016; 1000 Genomes Project 30x 0.00031; 1000 Genomes Project 0.00040; TOPMed 0.00053.
gnomAD v4.1: 420 of 1,614,140 alleles (0.026%); highest among the groups gnomAD compares: Admixed American, 0.65%; 7 homozygotes.

Submissions (7):

Labcorp Genetics (formerly Invitae), Labcorp
Classification: Benign. Last evaluated: 2026-01-26. Review status: criteria provided, single submitter. Criteria: Invitae Variant Classification Sherloc (09022015). Collection method: clinical testing. Allele origin: germline.

ARUP Laboratories, Molecular Genetics and Genomics, ARUP Laboratories
Classification: Likely benign. Last evaluated: 2024-06-17. Review status: criteria provided, single submitter. Criteria: ARUP Molecular Germline Variant Investigation Process 2024. Collection method: clinical testing. Allele origin: germline.

Women's Health and Genetics/Laboratory Corporation of America, LabCorp
Classification: Likely benign. Last evaluated: 2023-10-25. Review status: criteria provided, single submitter. Criteria: LabCorp Variant Classification Summary - May 2015. Collection method: clinical testing. Allele origin: germline.

Ambry Genetics
Classification: Likely benign for Inborn genetic diseases. Last evaluated: 2022-06-02. Review status: criteria provided, single submitter. Criteria: Ambry Variant Classification Scheme 2023. Collection method: clinical testing. Allele origin: germline.

Athena Diagnostics
Classification: Benign. Last evaluated: 2016-12-15. Review status: criteria provided, single submitter. Criteria: Athena Diagnostics Criteria. Collection method: clinical testing. Allele origin: germline.

Clinical Genomics, Uppaluri K&H Personalized Medicine Clinic
Classification: Uncertain significance for Maturity-onset diabetes of the young. Review status: criteria provided, single submitter. Criteria: K & H Uppaluri Personalized Medicine Clinic Variant Classification & Assertion Criteria_Updated V.1. Collection method: research. Allele origin: unknown. Inheritance: Somatic mutation.
Comment: Mutations in ABCC8 gene are associated with both neonatal diabetes mellitus as well as MODY. Patients with this mutation may have a better response to sulfonylureas. However, no sufficient evidence is found to ascertain the role of this particular variant (rs192863214) in MODY yet.

Clinical Genomics, Uppaluri K&H Personalized Medicine Clinic
Classification: Uncertain significance for Transitory neonatal diabetes mellitus. Review status: criteria provided, single submitter. Criteria: K & H Uppaluri Personalized Medicine Clinic Variant Classification & Assertion Criteria_Updated V.1. Collection method: research. Allele origin: unknown. Inheritance: Somatic mutation.
Comment: Mutations in ABCC8 gene are associated with both neonatal diabetes mellitus as well as MODY. Patients with this mutation may have a better response to sulfonylureas. However, no sufficient evidence is found to ascertain the role of this particular variant (rs192863214) in neonatal diabetes yet.

Literature cited by the submitters: PubMed 16885549 (cited by Clinical Genomics, Uppaluri K&H Personalized Medicine Clinic); PubMed 21989597 (cited by Clinical Genomics, Uppaluri K&H Personalized Medicine Clinic); PubMed 27538677 (cited by Clinical Genomics, Uppaluri K&H Personalized Medicine Clinic); PubMed 18981553 (cited by Clinical Genomics, Uppaluri K&H Personalized Medicine Clinic); PubMed 32027066 (cited by Clinical Genomics, Uppaluri K&H Personalized Medicine Clinic); PubMed 16613899 (cited by Clinical Genomics, Uppaluri K&H Personalized Medicine Clinic); PubMed 18025408 (cited by Clinical Genomics, Uppaluri K&H Personalized Medicine Clinic); PubMed 32792356 (cited by Clinical Genomics, Uppaluri K&H Personalized Medicine Clinic).

NM_000352.6(ABCC8):c.3000C>T (p.Cys1000=)

Gene: ABCC8 (ATP binding cassette subfamily C member 8; minus strand). Cytogenetic location: 11p15.1.
Variant type: single nucleotide variant.
Coding change: c.3000C>T on transcript NM_000352.6 (MANE Select); coding-DNA position 3000, C replaced by T.
Protein change: p.Cys1000=; no amino-acid change (cysteine 1000 retained).
Molecular consequence: synonymous variant. On other transcripts: non-coding transcript variant (1).
Genome position (GRCh38, 1-based): chr11:17,407,050, G>A on the plus strand (C>T on the coding strand, the complement: ABCC8 is on the minus strand). VCF-style: chr11-17407050-G-A. GRCh37 (hg19) VCF-style: chr11-17428597-G-A.
Other names: c.3003C>T, p.Cys1001= (NM_001287174.3); c.3066C>T, p.Cys1022= (NM_001351295.2); c.3000C>T, p.Cys1000= (NM_001351296.2); c.2997C>T, p.Cys999= (NM_001351297.2).
Identifiers: ClinVar variation 446767 (VCV000446767.16), dbSNP rs192863214, ClinGen allele CA5902946.